The following is an entry in ClinVar:

ClinVar aggregate classification (germline): Benign/Likely benign. Review status: criteria provided, multiple submitters, no conflicts (2 of 4 stars). 10 submissions from 10 submitters: Benign (7); Likely benign (2). 1 of the submissions does not count toward it. Last evaluated 2026-02-04.

Conditions:
Glycine encephalopathy. Also called: Non-ketotic hyperglycinemia; Nonketotic hyperglycinemia. Identifiers: Orphanet 407, MedGen C0751748, MONDO:0011612, HP:0008288.

Submissions (10):

Labcorp Genetics (formerly Invitae), Labcorp
Classification: Benign for Glycine encephalopathy. Last evaluated: 2026-02-04. Review status: criteria provided, single submitter. Criteria: Invitae Variant Classification Sherloc (09022015). Collection method: clinical testing. Allele origin: germline.

Blueprint Genetics
Classification: Likely benign. Last evaluated: 2024-11-27. Review status: criteria provided, single submitter. Criteria: ACMG Guidelines, 2015. Collection method: clinical testing. Allele origin: germline.

Mayo Clinic Laboratories, Mayo Clinic
Classification: Benign. Last evaluated: 2021-11-29. Review status: criteria provided, single submitter. Criteria: ACMG Guidelines, 2015. Collection method: clinical testing. Allele origin: germline. Observed: 130 variant alleles.

Fulgent Genetics
Classification: Benign for Glycine encephalopathy 1. Last evaluated: 2021-10-25. Review status: criteria provided, single submitter. Criteria: ACMG Guidelines, 2015. Collection method: clinical testing. Allele origin: unknown.

Genome-Nilou Lab
Classification: Benign for Glycine encephalopathy 1. Last evaluated: 2021-08-10. Review status: criteria provided, single submitter. Criteria: ACMG Guidelines, 2015. Collection method: clinical testing. Allele origin: germline. Affected: no.

Mendelics
Classification: Likely benign for Glycine encephalopathy 1. Last evaluated: 2019-05-28. Review status: criteria provided, single submitter. Criteria: Mendelics Assertion Criteria 2017. Collection method: clinical testing. Allele origin: unknown.

Women's Health and Genetics/Laboratory Corporation of America, LabCorp
Classification: Benign. Last evaluated: 2018-09-27. Review status: criteria provided, single submitter. Criteria: LabCorp Variant Classification Summary - May 2015. Collection method: clinical testing. Allele origin: germline.
Comment: Variant summary: GLDC c.2316-6dupA alters a non-conserved nucleotide located close to a canonical splice site and therefore could affect mRNA splicing, leading to a significantly altered protein sequence. The variant allele was found at a frequency of 0.3 in 121146 control chromosomes in the ExAC database, including 5555 homozygotes. The observed variant frequency is approximately 97-fold above the estimated maximal expected allele frequency for a pathogenic variant in GLDC causing Glycine Encephalopathy (Non-Ketotic Hyperglycinemia) phenotype (0.0031), strongly suggesting that the variant is benign. To our knowledge, no occurrence of c.2316-6dupA in individuals affected with Glycine Encephalopathy (Non-Ketotic Hyperglycinemia) and no experimental evidence demonstrating its impact on protein function have been reported. One clinical diagnostic laboratory has submitted clinical-significance assessments for this variant to ClinVar after 2014 and classified the variant as benign. Based on the evidence outlined above, the variant was classified as benign.

GeneDx
Classification: Benign. Last evaluated: 2018-07-17. Review status: criteria provided, single submitter. Criteria: GeneDx Variant Classification Process June 2021. Collection method: clinical testing. Allele origin: germline. Affected: yes.

PreventionGenetics, part of Exact Sciences
Classification: Benign. Review status: criteria provided, single submitter. Criteria: ACMG Guidelines, 2015. Collection method: clinical testing. Allele origin: germline.

Natera, Inc.
Classification: Benign for Non-ketotic hyperglycinemia. Last evaluated: 2020-09-16. Review status: no assertion criteria provided. Collection method: clinical testing. Allele origin: germline. Not counted in ClinVar's aggregate classification.

NM_000170.3(GLDC):c.2316-6dup

Gene: GLDC (glycine decarboxylase; minus strand). Cytogenetic location: 9p24.1.
Variant type: Duplication.
Coding change: c.2316-6dup on transcript NM_000170.3 (MANE Select); 6 bases into the intron before coding-DNA position 2316, one base duplicated (A; older notation c.2316-6dupA).
Molecular consequence: intron variant.
Genome position (GRCh38, 1-based): chr9:6,553,515, T duplicated on the plus strand (A on the coding strand, the reverse complement: GLDC is on the minus strand); the first of 8 consecutive T bases (chr9:6,553,515-6,553,522); duplicating any one gives the same sequence. VCF-style (leftmost placement, unchanged base first): chr9-6553514-A-AT. GRCh37 (hg19) VCF-style: chr9-6553514-A-AT.
Other names: p.?; c.2316-6dupA (NM_000170.2); c.2316-6dup (NM_000170.2).
Identifiers: ClinVar variation 255454 (VCV000255454.22), dbSNP rs3215923, ClinGen allele CA4980264.